The following is an entry in ClinVar:

ClinVar aggregate classification (germline): Benign/Likely benign. Review status: criteria provided, multiple submitters, no conflicts (2 of 4 stars). 4 submissions from 4 submitters: Benign (1); Likely benign (2). 1 of the submissions does not count toward it. Last evaluated 2026-01-14.

Conditions:
MC1R-related disorder. Also called: MC1R-related condition.
Melanoma, cutaneous malignant, susceptibility to, 5. Also called: Cutaneous malignant melanoma 5. Identifiers: Orphanet 618, MedGen C2751295, MONDO:0013133, OMIM 613099.
Tyrosinase-positive oculocutaneous albinism (OCA2). Also called: ALBINISM II; Oculocutaneous albinism type 2; Albinism, oculocutaneous, type II. Identifiers: Orphanet 79432, MedGen C0268495, MONDO:0008746, OMIM 203200.

Allele frequency attached by ClinVar (database versions not stated): ESP Exome Variant Server 0.00015; 1000 Genomes Project 0.00020; gnomAD exomes 0.00046 and 0.00083; 1000 Genomes Project 30x 0.00047; gnomAD 0.00048 and 0.00050; ExAC 0.00071; TOPMed 0.00071.

Submissions (4):

Labcorp Genetics (formerly Invitae), Labcorp
Classification: Benign for Melanoma, cutaneous malignant, susceptibility to, 5. Last evaluated: 2026-01-14. Review status: criteria provided, single submitter. Criteria: Invitae Variant Classification Sherloc (09022015). Collection method: clinical testing. Allele origin: germline.

Department of Pathology and Laboratory Medicine, Sinai Health System
Classification: Likely benign for Tyrosinase-positive oculocutaneous albinism. Last evaluated: 2020-05-19. Review status: criteria provided, single submitter. Criteria: ACMG Guidelines, 2015. Collection method: research. Allele origin: germline.

Illumina Laboratory Services, Illumina
Classification: Likely benign for Melanoma, cutaneous malignant, susceptibility to, 5. Last evaluated: 2017-04-27. Review status: criteria provided, single submitter. Criteria: ICSL Variant Classification Criteria 13 December 2019. Collection method: clinical testing. Allele origin: germline.
Comment: This variant was observed as part of a predisposition screen in an ostensibly healthy population. A literature search was performed for the gene, cDNA change, and amino acid change (where applicable). Publications were found based on this search. The evidence from the literature, in combination with allele frequency data from public databases where available, was sufficient to determine this variant is unlikely to cause disease. Therefore, this variant is classified as likely benign.

PreventionGenetics, part of Exact Sciences
Classification: Likely benign for MC1R-related condition. Last evaluated: 2022-12-15. Review status: no assertion criteria provided. Collection method: clinical testing. Allele origin: germline. Not counted in ClinVar's aggregate classification.
Comment: This variant is classified as likely benign based on ACMG/AMP sequence variant interpretation guidelines (Richards et al. 2015 PMID: 25741868, with internal and published modifications).

Literature cited by the submitters: PubMed 14757863 (cited by Illumina Laboratory Services, Illumina); PubMed 23647022 (cited by Illumina Laboratory Services, Illumina); PubMed 24335900 (cited by Illumina Laboratory Services, Illumina); PubMed 14961558 (cited by Illumina Laboratory Services, Illumina); PubMed 20876876 (cited by Illumina Laboratory Services, Illumina); PubMed 11707265 (cited by Illumina Laboratory Services, Illumina).

NM_002386.4(MC1R):c.364G>A (p.Val122Met)

Gene: MC1R (melanocortin 1 receptor; plus strand). Cytogenetic location: 16q24.3.
Variant type: single nucleotide variant.
Coding change: c.364G>A on transcript NM_002386.4 (MANE Select); coding-DNA position 364, G replaced by A.
Protein change: p.Val122Met; replaces valine 122 with methionine.
Molecular consequence: missense variant.
Genome position (GRCh38, 1-based): chr16:89,919,622, G>A. VCF-style: chr16-89919622-G-A. GRCh37 (hg19) VCF-style: chr16-89986030-G-A.
Other names: short protein forms V122M.
Identifiers: ClinVar variation 239152 (VCV000239152.18), dbSNP rs201192930, ClinGen allele CA8255573.